The following is an entry in ClinVar:

NM_016222.4(DDX41):c.139-5C>T

Gene: DDX41 (DEAD-box helicase 41; minus strand). Cytogenetic location: 5q35.3.
Variant type: single nucleotide variant.
Coding change: c.139-5C>T on transcript NM_016222.4 (MANE Select); 5 bases into the intron before coding-DNA position 139, C replaced by T.
Molecular consequence: intron variant. On other transcripts: 5 prime UTR variant (2).
Genome position (GRCh38, 1-based): chr5:177,516,452, G>A on the plus strand (C>T on the coding strand, the complement: DDX41 is on the minus strand). VCF-style: chr5-177516452-G-A. GRCh37 (hg19) VCF-style: chr5-176943453-G-A.
Other names: c.-245C>T (NM_001321732.2, NM_001321830.2); c.139-5C>T (NM_016222.3, NM_016222.2).
Identifiers: ClinVar variation 2173418 (VCV002173418.8), dbSNP rs200837781, ClinGen allele CA3585317.

ClinVar aggregate classification (germline): Benign/Likely benign. Review status: criteria provided, multiple submitters, no conflicts (2 of 4 stars). 4 submissions from 4 submitters: Benign (1); Likely benign (2). 1 of the submissions does not count toward it. Last evaluated 2025-09-09.

Conditions:
DDX41-related disorder. Also called: DDX41-related condition.
Inborn genetic diseases. Identifiers: MedGen C0950123, MeSH D030342.

gnomAD v4.1: 138 of 1,613,046 alleles (0.0086%); highest among the groups gnomAD compares: East Asian, 0.067%; 1 homozygote.

Submissions (4):

Labcorp Genetics (formerly Invitae), Labcorp
Classification: Benign. Last evaluated: 2025-09-09. Review status: criteria provided, single submitter. Criteria: Invitae Variant Classification Sherloc (09022015). Collection method: clinical testing. Allele origin: germline.

Blueprint Genetics
Classification: Likely benign. Last evaluated: 2024-08-14. Review status: criteria provided, single submitter. Criteria: ACMG Guidelines, 2015. Collection method: clinical testing. Allele origin: germline.

Ambry Genetics
Classification: Likely benign for Inborn genetic diseases. Last evaluated: 2024-03-20. Review status: criteria provided, single submitter. Criteria: Ambry Variant Classification Scheme 2023. Collection method: clinical testing. Allele origin: germline.

PreventionGenetics, part of Exact Sciences
Classification: Likely benign for DDX41-related condition. Last evaluated: 2019-07-31. Review status: no assertion criteria provided. Collection method: clinical testing. Allele origin: germline. Not counted in ClinVar's aggregate classification.
Comment: This variant is classified as likely benign based on ACMG/AMP sequence variant interpretation guidelines (Richards et al. 2015 PMID: 25741868, with internal and published modifications).